The following is an entry in ClinVar:

NM_000038.6(APC):c.320C>G (p.Ser107Cys)

Gene: APC (APC regulator of Wnt signaling pathway; plus strand). Cytogenetic location: 5q22.2.
Variant type: single nucleotide variant.
Coding change: c.320C>G on transcript NM_000038.6 (MANE Select); coding-DNA position 320, C replaced by G.
Protein change: p.Ser107Cys; replaces serine 107 with cysteine.
Molecular consequence: missense variant. On other transcripts: 5 prime UTR variant (1).
Genome position (GRCh38, 1-based): chr5:112,767,288, C>G. VCF-style: chr5-112767288-C-G. GRCh37 (hg19) VCF-style: chr5-112102985-C-G.
Other names: c.350C>G, p.Ser117Cys (NM_001354902.2, NM_001127511.3, NM_001354897.2); c.320C>G, p.Ser107Cys (NM_001354903.2, NM_001127510.3, NM_001354895.2 and 2 more transcripts); c.245C>G, p.Ser82Cys (NM_001354904.2, NM_001354898.2); c.143C>G, p.Ser48Cys (NM_001354905.2, NM_001354900.2, NM_001354901.2); c.-716C>G (NM_001354906.2); short protein forms S107C, S117C, S48C, S82C.
Identifiers: ClinVar variation 631149 (VCV000631149.18), dbSNP rs774416950, ClinGen allele CA16022022.

ClinVar aggregate classification (germline): Uncertain significance. Review status: criteria provided, multiple submitters, no conflicts (2 of 4 stars). 4 submissions from 4 submitters: Uncertain significance (4). Last evaluated 2025-01-10.

Conditions:
Hereditary cancer-predisposing syndrome. Also called: Tumor predisposition; Neoplastic Syndromes, Hereditary; Hereditary neoplastic syndrome; Hereditary Cancer Syndrome. Identifiers: Orphanet 140162, MedGen C0027672, MeSH D009386, MONDO:0015356.
Classic or attenuated familial adenomatous polyposis. Identifiers: MedGen CN372698, MONDO:0021057.
Familial adenomatous polyposis 1 (FAP1). Also called: POLYPOSIS, ADENOMATOUS INTESTINAL; FAMILIAL ADENOMATOUS POLYPOSIS 1, ATTENUATED. Identifiers: MedGen C2713442, MONDO:0021056, OMIM 175100. Disease mechanism: loss of function.

gnomAD v4.1: 2 of 1,614,132 alleles (0.00012%); highest among the groups gnomAD compares: Non-Finnish European, 0.00017%; no homozygotes.

Submissions (4):

Ambry Genetics
Classification: Uncertain significance for Hereditary cancer-predisposing syndrome. Last evaluated: 2025-01-10. Review status: criteria provided, single submitter. Criteria: Ambry Variant Classification Scheme 2023. Collection method: clinical testing. Allele origin: germline.
Comment: The p.S107C variant (also known as c.320C>G), located in coding exon 3 of the APC gene, results from a C to G substitution at nucleotide position 320. The serine at codon 107 is replaced by cysteine, an amino acid with dissimilar properties. This amino acid position is highly conserved in available vertebrate species. In addition, in silico predictors for this gene do not accurately predict pathogenicity. Missense alterations in APC are not a common cause of disease (Spier I et al. Genet Med. 2024 Feb;26(2):100992). Based on the available evidence, the clinical significance of this variant remains unclear.

Color Diagnostics, LLC DBA Color Health
Classification: Uncertain significance for Hereditary cancer-predisposing syndrome. Last evaluated: 2024-03-07. Review status: criteria provided, single submitter. Criteria: ACMG Guidelines, 2015. Collection method: clinical testing. Allele origin: germline.
Comment: This missense variant replaces serine with cysteine at codon 107 of the APC protein. Computational prediction suggests that this variant may not impact protein structure and function (internally defined REVEL score threshold <= 0.5, PMID: 27666373). To our knowledge, functional studies have not been reported for this variant. This variant has not been reported in individuals affected with APC-related disorders in the literature. This variant has not been identified in the general population by the Genome Aggregation Database (gnomAD). The available evidence is insufficient to determine the role of this variant in disease conclusively. Therefore, this variant is classified as a Variant of Uncertain Significance.

All of Us Research Program, National Institutes of Health
Classification: Uncertain significance for Classic or attenuated familial adenomatous polyposis. Last evaluated: 2023-05-04. Review status: criteria provided, single submitter. Criteria: ACMG Guidelines, 2015. Collection method: clinical testing. Allele origin: germline. Inheritance: Autosomal dominant inheritance. Observed: 1 variant allele, 1 heterozygote.
Comment: This missense variant replaces serine with cysteine at codon 107 of the APC protein. Computational prediction suggests that this variant may not impact protein structure and function (internally defined REVEL score threshold <= 0.5, PMID: 27666373). To our knowledge, functional studies have not been reported for this variant. This variant has not been reported in individuals affected with APC-related disorders in the literature. This variant has not been identified in the general population by the Genome Aggregation Database (gnomAD). The available evidence is insufficient to determine the role of this variant in disease conclusively. Therefore, this variant is classified as a Variant of Uncertain Significance.

This study involves interpretation of variants in research participants for the purpose of population health screening. Participant phenotype was not available at the time of variant classification. Additional details can be found in publication PMID: 35346344, PMCID: PMC8962531

Labcorp Genetics (formerly Invitae), Labcorp
Classification: Uncertain significance for Familial adenomatous polyposis 1. Last evaluated: 2021-05-18. Review status: criteria provided, single submitter. Criteria: Invitae Variant Classification Sherloc (09022015). Collection method: clinical testing. Allele origin: germline.
Comment: This sequence change replaces serine with cysteine at codon 107 of the APC protein (p.Ser107Cys). The serine residue is highly conserved and there is a moderate physicochemical difference between serine and cysteine. In summary, the available evidence is currently insufficient to determine the role of this variant in disease. Therefore, it has been classified as a Variant of Uncertain Significance. Algorithms developed to predict the effect of missense changes on protein structure and function are either unavailable or do not agree on the potential impact of this missense change (SIFT: "Deleterious"; PolyPhen-2: "Possibly Damaging"; Align-GVGD: "Class C0"). This variant has not been reported in the literature in individuals with APC-related conditions. ClinVar contains an entry for this variant (Variation ID: 631149). This variant is not present in population databases (ExAC no frequency).